The following is an entry in ClinVar:

ClinVar aggregate classification (germline): Uncertain significance (1 of 4 stars; one submission).

Conditions:
Brachyolmia-amelogenesis imperfecta syndrome. Also called: Tooth agenesis, selective, 6; Dental anomalies and short stature; PLATYSPONDYLY WITH AMELOGENESIS IMPERFECTA. Identifiers: Orphanet 2899, MedGen C1832594, MONDO:0011018, OMIM 601216. Disease mechanism: loss of function.

Allele frequency attached by ClinVar (database versions not stated): TOPMed below 0.00001; gnomAD 0.00001.

Submission:

Labcorp Genetics (formerly Invitae), Labcorp
Classification: Uncertain significance for Brachyolmia-amelogenesis imperfecta syndrome. Last evaluated: 2023-03-27. Review status: criteria provided, single submitter. Criteria: Invitae Variant Classification Sherloc (09022015). Collection method: clinical testing. Allele origin: germline.
Comment: This sequence change replaces glycine, which is neutral and non-polar, with arginine, which is basic and polar, at codon 1029 of the LTBP3 protein (p.Gly1029Arg). This variant is not present in population databases (gnomAD no frequency). This variant has not been reported in the literature in individuals affected with LTBP3-related conditions. An algorithm developed to predict the effect of missense changes on protein structure and function (PolyPhen-2) suggests that this variant is likely to be disruptive. In summary, the available evidence is currently insufficient to determine the role of this variant in disease. Therefore, it has been classified as a Variant of Uncertain Significance.

NM_001130144.3(LTBP3):c.3085G>A (p.Gly1029Arg)

Genes: LTBP3 (latent transforming growth factor beta binding protein 3; minus strand), LOC121832793 (Sharpr-MPRA regulatory region 4001; plus strand). Cytogenetic location: 11q13.1.
Variant type: single nucleotide variant.
Coding change: c.3085G>A on transcript NM_001130144.3 (MANE Select); coding-DNA position 3085, G replaced by A.
Protein change: p.Gly1029Arg; replaces glycine 1029 with arginine.
Molecular consequence: missense variant.
Genome position (GRCh38, 1-based): chr11:65,540,507, C>T on the plus strand (G>A on the coding strand, the complement: LTBP3 is on the minus strand). VCF-style: chr11-65540507-C-T. GRCh37 (hg19) VCF-style: chr11-65307978-C-T.
Other names: c.2734G>A, p.Gly912Arg (NM_001164266.1); c.3085G>A, p.Gly1029Arg (NM_021070.4); short protein forms G1029R, G912R.
Identifiers: ClinVar variation 2847925 (VCV002847925.3), dbSNP rs1856061336, ClinGen allele CA381267688.